The following is an entry in ClinVar:

ClinVar aggregate classification (germline): Uncertain significance (1 of 4 stars; one submission).

Submission:

Labcorp Genetics (formerly Invitae), Labcorp
Classification: Uncertain significance. Last evaluated: 2025-04-14. Review status: criteria provided, single submitter. Criteria: Invitae Variant Classification Sherloc (09022015). Collection method: clinical testing. Allele origin: germline.
Comment: This sequence change replaces glutamic acid, which is acidic and polar, with valine, which is neutral and non-polar, at codon 1314 of the DUOX2 protein (p.Glu1314Val). This variant is not present in population databases (gnomAD no frequency). This variant has not been reported in the literature in individuals affected with DUOX2-related conditions. Invitae Evidence Modeling of protein sequence and biophysical properties (such as structural, functional, and spatial information, amino acid conservation, physicochemical variation, residue mobility, and thermodynamic stability) indicates that this missense variant is expected to disrupt DUOX2 protein function with a positive predictive value of 80%. In summary, the available evidence is currently insufficient to determine the role of this variant in disease. Therefore, it has been classified as a Variant of Uncertain Significance.

NM_001363711.2(DUOX2):c.3941A>T (p.Glu1314Val)

Gene: DUOX2 (dual oxidase 2; minus strand). Cytogenetic location: 15q21.1.
Variant type: single nucleotide variant.
Coding change: c.3941A>T on transcript NM_001363711.2 (MANE Select); coding-DNA position 3941, A replaced by T.
Protein change: p.Glu1314Val; replaces glutamic acid 1314 with valine.
Molecular consequence: missense variant.
Genome position (GRCh38, 1-based): chr15:45,095,967, T>A on the plus strand (A>T on the coding strand, the complement: DUOX2 is on the minus strand). VCF-style: chr15-45095967-T-A. GRCh37 (hg19) VCF-style: chr15-45388165-T-A.
Other names: c.3941A>T, p.Glu1314Val (NM_014080.5); short protein forms E1314V.
Identifiers: ClinVar variation 4745214 (VCV004745214.1).